The following is an entry in ClinVar:

ClinVar aggregate classification (germline): Likely benign. Review status: criteria provided, multiple submitters, no conflicts (2 of 4 stars). 2 submissions from 2 submitters: Likely benign (2). Last evaluated 2026-01-01.

gnomAD v4.1: 9 of 1,614,050 alleles (0.00056%); highest among the groups gnomAD compares: East Asian, 0.0022%; no homozygotes.

Submissions (2):

CeGaT Center for Human Genetics Tuebingen
Classification: Likely benign. Last evaluated: 2026-01-01. Review status: criteria provided, single submitter. Criteria: CeGaT Center For Human Genetics Tuebingen Variant Classification Criteria Version 2. Collection method: clinical testing. Allele origin: germline. Affected: yes. Observed: 1 variant allele.
Comment: TALDO1: BP4, BP7

Labcorp Genetics (formerly Invitae), Labcorp
Classification: Likely benign. Last evaluated: 2025-12-06. Review status: criteria provided, single submitter. Criteria: Invitae Variant Classification Sherloc (09022015). Collection method: clinical testing. Allele origin: germline.

NM_006755.2(TALDO1):c.351G>A (p.Ala117=)

Gene: TALDO1 (transaldolase 1; plus strand). Cytogenetic location: 11p15.5.
Variant type: single nucleotide variant.
Coding change: c.351G>A on transcript NM_006755.2 (MANE Select); coding-DNA position 351, G replaced by A.
Protein change: p.Ala117=; no amino-acid change (alanine 117 retained).
Molecular consequence: synonymous variant.
Genome position (GRCh38, 1-based): chr11:760,143, G>A. VCF-style: chr11-760143-G-A. GRCh37 (hg19) VCF-style: chr11-760143-G-A.
Identifiers: ClinVar variation 4705771 (VCV004705771.5).